The following is an entry in ClinVar:

NM_006767.4(LZTR1):c.2022C>A (p.Asp674Glu)

Gene: LZTR1 (leucine zipper like post translational regulator 1; plus strand). Cytogenetic location: 22q11.21.
Variant type: single nucleotide variant.
Coding change: c.2022C>A on transcript NM_006767.4 (MANE Select); coding-DNA position 2022, C replaced by A.
Protein change: p.Asp674Glu; replaces aspartic acid 674 with glutamic acid.
Molecular consequence: missense variant.
Genome position (GRCh38, 1-based): chr22:20,995,825, C>A. VCF-style: chr22-20995825-C-A. GRCh37 (hg19) VCF-style: chr22-21350114-C-A.
Other names: short protein forms D674E.
Identifiers: ClinVar variation 3606483 (VCV003606483.2).
Genomic context (GRCh38, chr22:20,995,825, plus strand): 5'-CATGAAGGCATACCTGGAGGGAGCGGGCGCGGAATTCTGTGACATCACTCTGTTGCTTGA[C>A]GGGCACCCACGGCCAGCCCACAAGGCTATCCTGGCCGCCCGCTCCAGGTGGGTGGGGGCT-3'
Protein context (NP_006758.2, residues 664-684): AEFCDITLLL[Asp674Glu]GHPRPAHKAI

ClinVar aggregate classification (germline): Uncertain significance (1 of 4 stars; one submission).

Submission:

Labcorp Genetics (formerly Invitae), Labcorp
Classification: Uncertain significance. Last evaluated: 2024-04-24. Review status: criteria provided, single submitter. Criteria: Invitae Variant Classification Sherloc (09022015). Collection method: clinical testing. Allele origin: germline.
Comment: This sequence change replaces aspartic acid, which is acidic and polar, with glutamic acid, which is acidic and polar, at codon 674 of the LZTR1 protein (p.Asp674Glu). This variant is not present in population databases (gnomAD no frequency). This variant has not been reported in the literature in individuals affected with LZTR1-related conditions. Advanced modeling of protein sequence and biophysical properties (such as structural, functional, and spatial information, amino acid conservation, physicochemical variation, residue mobility, and thermodynamic stability) performed at Invitae indicates that this missense variant is not expected to disrupt LZTR1 protein function with a negative predictive value of 80%. In summary, the available evidence is currently insufficient to determine the role of this variant in disease. Therefore, it has been classified as a Variant of Uncertain Significance.